The following is an entry in ClinVar:

NM_001029883.3(PCARE):c.2974A>G (p.Arg992Gly)

Gene: PCARE (photoreceptor cilium actin regulator; minus strand). Cytogenetic location: 2p23.2.
Variant type: single nucleotide variant.
Coding change: c.2974A>G on transcript NM_001029883.3 (MANE Select); coding-DNA position 2974, A replaced by G.
Protein change: p.Arg992Gly; replaces arginine 992 with glycine.
Molecular consequence: missense variant.
Genome position (GRCh38, 1-based): chr2:29,071,288, T>C on the plus strand (A>G on the coding strand, the complement: PCARE is on the minus strand). VCF-style: chr2-29071288-T-C. GRCh37 (hg19) VCF-style: chr2-29294154-T-C.
Other names: short protein forms R992G.
Identifiers: ClinVar variation 1512810 (VCV001512810.6), dbSNP rs2148415220, ClinGen allele CA346476053.

ClinVar aggregate classification (germline): Uncertain significance (1 of 4 stars; one submission).

Submission:

Labcorp Genetics (formerly Invitae), Labcorp
Classification: Uncertain significance. Last evaluated: 2022-08-16. Review status: criteria provided, single submitter. Criteria: Invitae Variant Classification Sherloc (09022015). Collection method: clinical testing. Allele origin: germline.
Comment: In summary, the available evidence is currently insufficient to determine the role of this variant in disease. Therefore, it has been classified as a Variant of Uncertain Significance. Algorithms developed to predict the effect of missense changes on protein structure and function are either unavailable or do not agree on the potential impact of this missense change (SIFT: "Deleterious"; PolyPhen-2: "Probably Damaging"; Align-GVGD: "Class C0"). ClinVar contains an entry for this variant (Variation ID: 1512810). This variant has not been reported in the literature in individuals affected with PCARE-related conditions. This variant is not present in population databases (gnomAD no frequency). This sequence change replaces arginine, which is basic and polar, with glycine, which is neutral and non-polar, at codon 992 of the PCARE protein (p.Arg992Gly).